The following is an entry in ClinVar:

ClinVar aggregate classification (germline): Uncertain significance. Review status: criteria provided, multiple submitters, no conflicts (2 of 4 stars). 3 submissions from 3 submitters: Uncertain significance (3). Last evaluated 2025-12-10.

Conditions:
Hereditary cancer-predisposing syndrome. Also called: Neoplastic Syndromes, Hereditary; Tumor predisposition; Hereditary neoplastic syndrome; Hereditary Cancer Syndrome. Identifiers: Orphanet 140162, MedGen C0027672, MeSH D009386, MONDO:0015356.

gnomAD v4.1: 2 of 1,574,310 alleles (0.00013%); highest among the groups gnomAD compares: Admixed American, 0.0017%; no homozygotes.

Submissions (3):

Ambry Genetics
Classification: Uncertain significance for Hereditary cancer-predisposing syndrome. Last evaluated: 2025-12-10. Review status: criteria provided, single submitter. Criteria: Ambry Variant Classification Scheme 2023. Collection method: clinical testing. Allele origin: germline.
Comment: The c.93+4G>A intronic variant results from a G to A substitution 4 nucleotides after coding exon 1 in the SMARCB1 gene. This nucleotide position is well conserved in available vertebrate species. In silico splice site analysis predicts that this alteration will not have any significant effect on splicing; however, direct evidence is insufficient at this time (Ambry internal data). Based on the available evidence, the clinical significance of this variant remains unclear.

Dasa
Classification: Uncertain significance. Last evaluated: 2025-12-10. Review status: criteria provided, single submitter. Criteria: DASA Assertion Criteria. Collection method: clinical testing. Allele origin: germline.
Comment: NM_003073.5(SMARCB1):c.93+4G>A is a splice-region variant. This variant is rare in population databases. Computational prediction algorithms are consistent with a benign effect. The currently available literature and clinical evidence are not sufficient to establish a definitive association between this variant and the reported condition. Therefore, this variant is classified as a variant of uncertain significance.

Labcorp Genetics (formerly Invitae), Labcorp
Classification: Uncertain significance. Last evaluated: 2023-10-28. Review status: criteria provided, single submitter. Criteria: Invitae Variant Classification Sherloc (09022015). Collection method: clinical testing. Allele origin: germline.
Comment: This sequence change falls in intron 1 of the SMARCB1 gene. It does not directly change the encoded amino acid sequence of the SMARCB1 protein. It affects a nucleotide within the consensus splice site. This variant is not present in population databases (gnomAD no frequency). This variant has not been reported in the literature in individuals affected with SMARCB1-related conditions. ClinVar contains an entry for this variant (Variation ID: 1766506). Variants that disrupt the consensus splice site are a relatively common cause of aberrant splicing (PMID: 17576681, 9536098). Algorithms developed to predict the effect of sequence changes on RNA splicing suggest that this variant is not likely to affect RNA splicing. In summary, the available evidence is currently insufficient to determine the role of this variant in disease. Therefore, it has been classified as a Variant of Uncertain Significance.

Literature cited by the submitters: PubMed 17576681 (cited by Labcorp Genetics (formerly Invitae), Labcorp); PubMed 9536098 (cited by Labcorp Genetics (formerly Invitae), Labcorp).

NM_003073.5(SMARCB1):c.93+4G>A

Gene: SMARCB1 (SWI/SNF related BAF chromatin remodeling complex subunit B1; plus strand). Cytogenetic location: 22q11.23.
Variant type: single nucleotide variant.
Coding change: c.93+4G>A on transcript NM_003073.5 (MANE Select); 4 bases into the intron after coding-DNA position 93, G replaced by A.
Molecular consequence: intron variant.
Genome position (GRCh38, 1-based): chr22:23,787,266, G>A. VCF-style: chr22-23787266-G-A. GRCh37 (hg19) VCF-style: chr22-24129453-G-A.
Other names: c.93+4G>A (NM_001362877.2, NM_001317946.2, NM_001007468.3).
Identifiers: ClinVar variation 1766506 (VCV001766506.9), dbSNP rs2517652923, ClinGen allele CA2580099260.